The following is an entry in ClinVar:

ClinVar aggregate classification (germline): Uncertain significance (1 of 4 stars; one submission).

Conditions:
Inborn genetic diseases. Identifiers: MedGen C0950123, MeSH D030342.

gnomAD v4.1: 1 of 1,614,142 alleles (0.000062%); highest among the groups gnomAD compares: Non-Finnish European, 0.000085%; no homozygotes.

Submission:

Ambry Genetics
Classification: Uncertain significance for Inborn genetic diseases. Last evaluated: 2025-03-11. Review status: criteria provided, single submitter. Criteria: Ambry Variant Classification Scheme 2023. Collection method: clinical testing. Allele origin: germline.
Comment: The p.L466P variant (also known as c.1397T>C), located in coding exon 12 of the ASXL1 gene, results from a T to C substitution at nucleotide position 1397. The leucine at codon 466 is replaced by proline, an amino acid with similar properties. This amino acid position is conserved. In addition, this alteration is predicted to be tolerated by in silico analysis. Based on the available evidence, the clinical significance of this variant remains unclear.

NM_015338.6(ASXL1):c.1397T>C (p.Leu466Pro)

Gene: ASXL1 (ASXL transcriptional regulator 1; plus strand). Cytogenetic location: 20q11.21.
Variant type: single nucleotide variant.
Coding change: c.1397T>C on transcript NM_015338.6 (MANE Select); coding-DNA position 1397, T replaced by C.
Protein change: p.Leu466Pro; replaces leucine 466 with proline.
Molecular consequence: missense variant.
Genome position (GRCh38, 1-based): chr20:32,433,595, T>C. VCF-style: chr20-32433595-T-C. GRCh37 (hg19) VCF-style: chr20-31021398-T-C.
Other names: c.1214T>C, p.Leu405Pro (NM_001363734.1); short protein forms L405P, L466P.
Identifiers: ClinVar variation 3794339 (VCV003794339.1).
Genomic context (GRCh38, chr20:32,433,595, plus strand): 5'-TTCCCCTCTACAAGGATGGGGAGGCTAAGACTGACCCAGCAGGGCTGAGCAGTCCCCATC[T>C]GCCAGGCACATCCTCTGCAGCACCCGACCTGGAGGGTCCCGAATTCCCAGTTGAGTCTGT-3'
Protein context (NP_056153.2, residues 456-476): TDPAGLSSPH[Leu466Pro]PGTSSAAPDL